The following is an entry in ClinVar:

NM_002485.5(NBN):c.2051A>G (p.Asn684Ser)

Gene: NBN (nibrin; minus strand). Cytogenetic location: 8q21.3.
Variant type: single nucleotide variant.
Coding change: c.2051A>G on transcript NM_002485.5 (MANE Select); coding-DNA position 2051, A replaced by G.
Protein change: p.Asn684Ser; replaces asparagine 684 with serine.
Molecular consequence: missense variant.
Genome position (GRCh38, 1-based): chr8:89,946,159, T>C on the plus strand (A>G on the coding strand, the complement: NBN is on the minus strand). VCF-style: chr8-89946159-T-C. GRCh37 (hg19) VCF-style: chr8-90958387-T-C.
Other names: c.1805A>G, p.Asn602Ser (NM_001024688.3); short protein forms N684S, N602S.
Identifiers: ClinVar variation 480036 (VCV000480036.20), dbSNP rs1554556477, ClinGen allele CA371676357.

ClinVar aggregate classification (germline): Uncertain significance. Review status: criteria provided, multiple submitters, no conflicts (2 of 4 stars). 3 submissions from 3 submitters: Uncertain significance (3). Last evaluated 2025-02-15.

Conditions:
Hereditary cancer-predisposing syndrome. Also called: Hereditary neoplastic syndrome; Neoplastic Syndromes, Hereditary; Tumor predisposition; Hereditary Cancer Syndrome. Identifiers: Orphanet 140162, MedGen C0027672, MeSH D009386, MONDO:0015356.
Microcephaly, normal intelligence and immunodeficiency (NBS). Also called: IMMUNODEFICIENCY, MICROCEPHALY, AND CHROMOSOMAL INSTABILITY; SEEMANOVA SYNDROME II; Nijmegen breakage syndrome; Microcephaly with normal intelligence immunodeficiency and lymphoreticular malignancies; Nonsyndromal microcephaly autosomal recessive with normal intelligence; Seemanova syndrome 2. Identifiers: Orphanet 647, MedGen C0398791, MONDO:0009623, OMIM 251260.

Submissions (3):

Ambry Genetics
Classification: Uncertain significance for Hereditary cancer-predisposing syndrome. Last evaluated: 2025-02-15. Review status: criteria provided, single submitter. Criteria: Ambry Variant Classification Scheme 2023. Collection method: clinical testing. Allele origin: germline.
Comment: The p.N684S variant (also known as c.2051A>G), located in coding exon 13 of the NBN gene, results from an A to G substitution at nucleotide position 2051. The asparagine at codon 684 is replaced by serine, an amino acid with highly similar properties. This amino acid position is well conserved in available vertebrate species. In addition, the in silico prediction for this alteration is inconclusive. Since supporting evidence is limited at this time, the clinical significance of this alteration remains unclear.

Genome-Nilou Lab
Classification: Uncertain significance for Microcephaly, normal intelligence and immunodeficiency. Last evaluated: 2021-11-07. Review status: criteria provided, single submitter. Criteria: ACMG Guidelines, 2015. Collection method: clinical testing. Allele origin: germline. Affected: no.

Labcorp Genetics (formerly Invitae), Labcorp
Classification: Uncertain significance for Microcephaly, normal intelligence and immunodeficiency. Last evaluated: 2018-11-08. Review status: criteria provided, single submitter. Criteria: Invitae Variant Classification Sherloc (09022015). Collection method: clinical testing. Allele origin: germline.
Comment: This variant is not present in population databases (ExAC no frequency). This sequence change replaces asparagine with serine at codon 684 of the NBN protein (p.Asn684Ser). The asparagine residue is moderately conserved and there is a small physicochemical difference between asparagine and serine. This variant has not been reported in the literature in individuals with NBN-related disease. ClinVar contains an entry for this variant (Variation ID: 480036). In summary, the available evidence is currently insufficient to determine the role of this variant in disease. Therefore, it has been classified as a Variant of Uncertain Significance. Algorithms developed to predict the effect of missense changes on protein structure and function are either unavailable or do not agree on the potential impact of this missense change (SIFT: "Deleterious"; PolyPhen-2: "Probably Damaging"; Align-GVGD: "Class C0").